The following is an entry in ClinVar:

ClinVar aggregate classification (germline): Conflicting classifications of pathogenicity. Review status: criteria provided, conflicting classifications (1 of 4 stars). 3 submissions from 3 submitters: Uncertain significance (2); Likely benign (1). Last evaluated 2024-03-18.

Conditions:
Hereditary cancer-predisposing syndrome. Also called: Neoplastic Syndromes, Hereditary; Tumor predisposition; Hereditary neoplastic syndrome; Hereditary Cancer Syndrome. Identifiers: Orphanet 140162, MedGen C0027672, MeSH D009386, MONDO:0015356.
Familial cancer of breast. Also called: hereditary breast carcinoma; Hereditary breast cancer; BREAST CANCER, FAMILIAL. Identifiers: Orphanet 227535, MedGen C0346153, MONDO:0016419, OMIM 114480. Disease mechanism: loss of function.

Submissions (3):

Color Diagnostics, LLC DBA Color Health
Classification: Uncertain significance for Hereditary cancer-predisposing syndrome. Last evaluated: 2024-03-18. Review status: criteria provided, single submitter. Criteria: ACMG Guidelines, 2015. Collection method: clinical testing. Allele origin: germline.
Comment: This missense variant replaces threonine with serine at codon 291 of the BARD1 protein. Computational prediction suggests that this variant may not impact protein structure and function (internally defined REVEL score threshold <= 0.5, PMID: 27666373). To our knowledge, functional studies have not been reported for this variant. This variant has not been reported in individuals affected with BARD1-related disorders in the literature. This variant has not been identified in the general population by the Genome Aggregation Database (gnomAD). The available evidence is insufficient to determine the role of this variant in disease conclusively. Therefore, this variant is classified as a Variant of Uncertain Significance.

Ambry Genetics
Classification: Likely benign for Hereditary cancer-predisposing syndrome. Last evaluated: 2024-02-26. Review status: criteria provided, single submitter. Criteria: Ambry Variant Classification Scheme 2023. Collection method: clinical testing. Allele origin: germline.

Labcorp Genetics (formerly Invitae), Labcorp
Classification: Uncertain significance for Familial cancer of breast. Last evaluated: 2024-02-05. Review status: criteria provided, single submitter. Criteria: Invitae Variant Classification Sherloc (09022015). Collection method: clinical testing. Allele origin: germline.
Comment: This sequence change replaces threonine, which is neutral and polar, with serine, which is neutral and polar, at codon 291 of the BARD1 protein (p.Thr291Ser). This variant is not present in population databases (gnomAD no frequency). This variant has not been reported in the literature in individuals affected with BARD1-related conditions. ClinVar contains an entry for this variant (Variation ID: 1351947). Algorithms developed to predict the effect of missense changes on protein structure and function output the following: SIFT: "Not Available"; PolyPhen-2: "Benign"; Align-GVGD: "Not Available". The serine amino acid residue is found in multiple mammalian species, which suggests that this missense change does not adversely affect protein function. In summary, the available evidence is currently insufficient to determine the role of this variant in disease. Therefore, it has been classified as a Variant of Uncertain Significance.

NM_000465.4(BARD1):c.872C>G (p.Thr291Ser)

Gene: BARD1 (BRCA1 associated RING domain 1; minus strand). Cytogenetic location: 2q35.
Variant type: single nucleotide variant.
Coding change: c.872C>G on transcript NM_000465.4 (MANE Select); coding-DNA position 872, C replaced by G.
Protein change: p.Thr291Ser; replaces threonine 291 with serine.
Molecular consequence: missense variant. On other transcripts: non-coding transcript variant (2), intron variant (3).
Genome position (GRCh38, 1-based): chr2:214,781,002, G>C on the plus strand (C>G on the coding strand, the complement: BARD1 is on the minus strand). VCF-style: chr2-214781002-G-C. GRCh37 (hg19) VCF-style: chr2-215645726-G-C.
Other names: c.872C>G (NM_000465.2); c.815C>G, p.Thr272Ser (NM_001282543.2); c.158+28410C>G (NM_001282548.2); c.215+16059C>G (NM_001282545.2); c.364+11295C>G (NM_001282549.2); short protein forms T291S, T272S.
Identifiers: ClinVar variation 1351947 (VCV001351947.11), dbSNP rs2106110019, ClinGen allele CA350455181.